The following is an entry in ClinVar:

ClinVar aggregate classification (germline): Uncertain significance (1 of 4 stars; one submission).

Conditions:
Charcot-Marie-Tooth disease type 2. Also called: Charcot-Marie-Tooth type 2. Identifiers: Orphanet 64746, MedGen C0270914, MONDO:0018993.

Allele frequency attached by ClinVar (database versions not stated): gnomAD exomes below 0.00001.
gnomAD v4.1: 7 of 1,614,164 alleles (0.00043%); highest among the groups gnomAD compares: Non-Finnish European, 0.00059%; no homozygotes.

Submission:

Labcorp Genetics (formerly Invitae), Labcorp
Classification: Uncertain significance for Charcot-Marie-Tooth disease type 2. Last evaluated: 2022-06-11. Review status: criteria provided, single submitter. Criteria: Invitae Variant Classification Sherloc (09022015). Collection method: clinical testing. Allele origin: germline.
Comment: This sequence change falls in intron 28 of the KIF1B gene. It does not directly change the encoded amino acid sequence of the KIF1B protein. It affects a nucleotide within the consensus splice site. This variant is not present in population databases (gnomAD no frequency). In summary, the available evidence is currently insufficient to determine the role of this variant in disease. Therefore, it has been classified as a Variant of Uncertain Significance. Variants that disrupt the consensus splice site are a relatively common cause of aberrant splicing (PMID: 17576681, 9536098). Algorithms developed to predict the effect of sequence changes on RNA splicing suggest that this variant is not likely to affect RNA splicing. This variant has not been reported in the literature in individuals affected with KIF1B-related conditions.

Literature cited by the submitters: PubMed 17576681; PubMed 9536098.

NM_001365951.3(KIF1B):c.3259+6T>C

Gene: KIF1B (kinesin family member 1B; plus strand). Cytogenetic location: 1p36.22.
Variant type: single nucleotide variant.
Coding change: c.3259+6T>C on transcript NM_001365951.3 (MANE Select); 6 bases into the intron after coding-DNA position 3259, T replaced by C.
Molecular consequence: intron variant.
Genome position (GRCh38, 1-based): chr1:10,337,209, T>C. VCF-style: chr1-10337209-T-C. GRCh37 (hg19) VCF-style: chr1-10397267-T-C.
Other names: c.3121+6T>C (NM_015074.3); c.3259+6T>C (NM_001365952.1).
Identifiers: ClinVar variation 1912235 (VCV001912235.5), dbSNP rs2521719839, ClinGen allele CA2580060456.